The following is an entry in ClinVar:

ClinVar aggregate classification (germline): Uncertain significance (1 of 4 stars; one submission).

Allele frequency attached by ClinVar (database versions not stated): ESP Exome Variant Server 0.00008.
gnomAD v4.1: 15 of 1,613,594 alleles (0.00093%); highest among the groups gnomAD compares: African/African-American, 0.0053%; no homozygotes.

Submission:

GeneDx
Classification: Uncertain significance. Last evaluated: 2021-11-19. Review status: criteria provided, single submitter. Criteria: GeneDx Variant Classification Process June 2021. Collection method: clinical testing. Allele origin: germline. Affected: yes.
Comment: In silico analysis supports that this missense variant has a deleterious effect on protein structure/function; Has not been previously published as pathogenic or benign to our knowledge

NM_194248.3(OTOF):c.5027G>A (p.Arg1676His)

Genes: OTOF (otoferlin; minus strand), LOC112840921 (BRD4-independent group 4 enhancer GRCh37_chr2:26685720-26686919; plus strand). Cytogenetic location: 2p23.3.
Variant type: single nucleotide variant.
Coding change: c.5027G>A on transcript NM_194248.3 (MANE Select); coding-DNA position 5027, G replaced by A.
Protein change: p.Arg1676His; replaces arginine 1676 with histidine.
Molecular consequence: missense variant.
Genome position (GRCh38, 1-based): chr2:26,464,040, C>T on the plus strand (G>A on the coding strand, the complement: OTOF is on the minus strand). VCF-style: chr2-26464040-C-T. GRCh37 (hg19) VCF-style: chr2-26686908-C-T.
Other names: c.5027G>A, p.Arg1676His (NM_001287489.2); c.2726G>A, p.Arg909His (NM_004802.4, NM_194323.3); c.2957G>A, p.Arg986His (NM_194322.3); short protein forms R1676H, R909H, R986H.
Identifiers: ClinVar variation 1327351 (VCV001327351.2), dbSNP rs143889717, ClinGen allele CA1562956.
Genomic context (GRCh38, chr2:26,464,040, plus strand): 5'-TTGTCGGGGTTGAGCAGCGGCCTCGTCTCCACATGCTCTGGCACCAGGCGGCAGCCTGCG[C>T]GGGGGATGTCCTCCCAGTGCCTCAGGGCCAACAGCGCCACATGCTCGTCTGTGGGCTTCC-3'
Protein context (NP_919224.1, residues 1666-1686): LALRHWEDIP[Arg1676His]AGCRLVPEHV